The following is an entry in ClinVar:

ClinVar aggregate classification (germline): Uncertain significance (1 of 4 stars; one submission).

Allele frequency attached by ClinVar (database versions not stated): gnomAD exomes below 0.00001; TOPMed 0.00001.
gnomAD v4.1: 1 of 1,614,070 alleles (0.000062%); highest among the groups gnomAD compares: Non-Finnish European, 0.000085%; no homozygotes.

Submission:

Labcorp Genetics (formerly Invitae), Labcorp
Classification: Uncertain significance. Last evaluated: 2024-08-24. Review status: criteria provided, single submitter. Criteria: Invitae Variant Classification Sherloc (09022015). Collection method: clinical testing. Allele origin: germline.
Comment: This sequence change replaces glutamic acid, which is acidic and polar, with aspartic acid, which is acidic and polar, at codon 593 of the PPP2R5D protein (p.Glu593Asp). This variant is not present in population databases (gnomAD no frequency). This variant has not been reported in the literature in individuals affected with PPP2R5D-related conditions. An algorithm developed to predict the effect of missense changes on protein structure and function (PolyPhen-2) suggests that this variant is likely to be tolerated. In summary, the available evidence is currently insufficient to determine the role of this variant in disease. Therefore, it has been classified as a Variant of Uncertain Significance.

NM_006245.4(PPP2R5D):c.1779G>C (p.Glu593Asp)

Genes: MEA1 (male-enhanced antigen 1; minus strand), PPP2R5D (protein phosphatase 2 regulatory subunit B'delta; plus strand). Cytogenetic location: 6p21.1.
Variant type: single nucleotide variant.
Coding change: c.1779G>C on transcript NM_006245.4 (MANE Select); coding-DNA position 1779, G replaced by C.
Protein change: p.Glu593Asp; replaces glutamic acid 593 with aspartic acid.
Molecular consequence: missense variant. On other transcripts: 3 prime UTR variant (1).
Genome position (GRCh38, 1-based): chr6:43,011,256, G>C. VCF-style: chr6-43011256-G-C. GRCh37 (hg19) VCF-style: chr6-42978994-G-C.
Other names: c.*1214C>G (NM_014623.4); c.1326G>C, p.Glu442Asp (NM_001270476.2); c.1683G>C, p.Glu561Asp (NM_180976.3); c.1461G>C, p.Glu487Asp (NM_180977.3); short protein forms E442D, E561D, E487D, E593D.
Identifiers: ClinVar variation 2915914 (VCV002915914.3), dbSNP rs1762341099, ClinGen allele CA364142884.
Genomic context (GRCh38, chr6:43,011,256, plus strand): 5'-GGAGCTGCCCCAGGACGTGTACACCATCAAGGCACTGGAGGCGCACAAGCGGGCGGAAGA[G>C]TTCCTAACTGCCAGCCAGGAGGCTCTCTGACCCCTCACGTTCCTACCACAGGGCCACAGC-3'
Protein context (NP_006236.1, residues 583-602): KALEAHKRAE[Glu593Asp]FLTASQEAL